The following is an entry in ClinVar:

NM_002485.5(NBN):c.1366A>G (p.Arg456Gly)

Gene: NBN (nibrin; minus strand). Cytogenetic location: 8q21.3.
Variant type: single nucleotide variant.
Coding change: c.1366A>G on transcript NM_002485.5 (MANE Select); coding-DNA position 1366, A replaced by G.
Protein change: p.Arg456Gly; replaces arginine 456 with glycine.
Molecular consequence: missense variant.
Genome position (GRCh38, 1-based): chr8:89,955,314, T>C on the plus strand (A>G on the coding strand, the complement: NBN is on the minus strand). VCF-style: chr8-89955314-T-C. GRCh37 (hg19) VCF-style: chr8-90967542-T-C.
Other names: c.1120A>G, p.Arg374Gly (NM_001024688.3); short protein forms R374G, R456G.
Identifiers: ClinVar variation 818949 (VCV000818949.8), dbSNP rs1586058203, ClinGen allele CA371656019.
Genomic context (GRCh38, chr8:89,955,314, plus strand): 5'-AGACATGAGAGAAGTTATCAAAAACAGACCTTTTTTTGGTAGACGGCTGAAAGTAGTTTC[T>C]GATGGAGTTGGTCTGCTGCTGCTGAGAAGCCCTATCTTTACTTTTATTTATACTTGGCAA-3'
Protein context (NP_002476.2, residues 446-466): ASQQQQTNSI[Arg456Gly]NYFQPSTKKR

ClinVar aggregate classification (germline): Uncertain significance. Review status: criteria provided, multiple submitters, no conflicts (2 of 4 stars). 3 submissions from 3 submitters: Uncertain significance (2). 1 of the submissions does not count toward it. Last evaluated 2023-05-24.

Conditions:
Microcephaly, normal intelligence and immunodeficiency (NBS). Also called: Nijmegen breakage syndrome; Microcephaly with normal intelligence immunodeficiency and lymphoreticular malignancies; Nonsyndromal microcephaly autosomal recessive with normal intelligence; Seemanova syndrome 2; Immunodeficiency, microcephaly with normal intelligence; Ataxia telangiectasia variant V1. Identifiers: Orphanet 647, MedGen C0398791, MONDO:0009623, OMIM 251260.
Hereditary cancer-predisposing syndrome. Also called: Hereditary Cancer Syndrome; Neoplastic Syndromes, Hereditary; Hereditary neoplastic syndrome; Tumor predisposition. Identifiers: Orphanet 140162, MedGen C0027672, MeSH D009386, MONDO:0015356.

Allele frequency attached by ClinVar (database versions not stated): gnomAD exomes below 0.00001.
gnomAD v4.1: 1 of 1,613,880 alleles (0.000062%); highest among the groups gnomAD compares: Non-Finnish European, 0.000085%; no homozygotes.

Submissions (3):

Labcorp Genetics (formerly Invitae), Labcorp
Classification: Uncertain significance for Microcephaly, normal intelligence and immunodeficiency. Last evaluated: 2023-05-24. Review status: criteria provided, single submitter. Criteria: Invitae Variant Classification Sherloc (09022015). Collection method: clinical testing. Allele origin: germline.
Comment: In summary, the available evidence is currently insufficient to determine the role of this variant in disease. Therefore, it has been classified as a Variant of Uncertain Significance. An algorithm developed to predict the effect of missense changes on protein structure and function (PolyPhen-2) suggests that this variant is likely to be tolerated. ClinVar contains an entry for this variant (Variation ID: 818949). This variant has not been reported in the literature in individuals affected with NBN-related conditions. This variant is not present in population databases (gnomAD no frequency). This sequence change replaces arginine, which is basic and polar, with glycine, which is neutral and non-polar, at codon 456 of the NBN protein (p.Arg456Gly).

Ambry Genetics
Classification: Uncertain significance for Hereditary cancer-predisposing syndrome. Last evaluated: 2021-08-27. Review status: criteria provided, single submitter. Criteria: Ambry Variant Classification Scheme 2023. Collection method: clinical testing. Allele origin: germline.
Comment: The p.R456G variant (also known as c.1366A>G), located in coding exon 10 of the NBN gene, results from an A to G substitution at nucleotide position 1366. The arginine at codon 456 is replaced by glycine, an amino acid with dissimilar properties. This amino acid position is poorly conserved in available vertebrate species. In addition, this alteration is predicted to be tolerated by in silico analysis. Since supporting evidence is limited at this time, the clinical significance of this alteration remains unclear.

Natera, Inc.
Classification: Uncertain significance for Nijmegen breakage syndrome. Last evaluated: 2020-12-02. Review status: no assertion criteria provided. Collection method: clinical testing. Allele origin: germline. Not counted in ClinVar's aggregate classification.